The following is an entry in ClinVar:

ClinVar aggregate classification (germline): Uncertain significance (1 of 4 stars; one submission).

gnomAD v4.1: 2 of 1,612,508 alleles (0.00012%); highest among the groups gnomAD compares: Non-Finnish European, 0.000085%; no homozygotes.

Submission:

Ambry Genetics
Classification: Uncertain significance. Last evaluated: 2026-04-02. Review status: criteria provided, single submitter. Criteria: Ambry Variant Classification Scheme 2023. Collection method: clinical testing. Allele origin: germline.
Comment: The p.D554N variant (also known as c.1660G>A), located in coding exon 11 of the MYOM1 gene, results from a G to A substitution at nucleotide position 1660. The aspartic acid at codon 554 is replaced by asparagine, an amino acid with highly similar properties. This amino acid position is conserved. In addition, this alteration is predicted to be tolerated by in silico analysis. Based on the available evidence, the clinical significance of this variant remains unclear.

NM_003803.4(MYOM1):c.1660G>A (p.Asp554Asn)

Gene: MYOM1 (myomesin 1; minus strand). Cytogenetic location: 18p11.31.
Variant type: single nucleotide variant.
Coding change: c.1660G>A on transcript NM_003803.4 (MANE Select); coding-DNA position 1660, G replaced by A.
Protein change: p.Asp554Asn; replaces aspartic acid 554 with asparagine.
Molecular consequence: missense variant.
Genome position (GRCh38, 1-based): chr18:3,151,877, C>T on the plus strand (G>A on the coding strand, the complement: MYOM1 is on the minus strand). VCF-style: chr18-3151877-C-T. GRCh37 (hg19) VCF-style: chr18-3151875-C-T.
Other names: c.1660G>A, p.Asp554Asn (NM_019856.2); short protein forms D554N.
Identifiers: ClinVar variation 4860673 (VCV004860673.1).